The following is an entry in ClinVar:

NM_205850.3(SLC24A5):c.205A>G (p.Ile69Val)

Gene: SLC24A5 (solute carrier family 24 member 5; plus strand). Cytogenetic location: 15q21.1.
Variant type: single nucleotide variant.
Coding change: c.205A>G on transcript NM_205850.3 (MANE Select); coding-DNA position 205, A replaced by G.
Protein change: p.Ile69Val; replaces isoleucine 69 with valine.
Molecular consequence: missense variant.
Genome position (GRCh38, 1-based): chr15:48,121,940, A>G. VCF-style: chr15-48121940-A-G. GRCh37 (hg19) VCF-style: chr15-48414137-A-G.
Other names: short protein forms I69V.
Identifiers: ClinVar variation 1957673 (VCV001957673.2), dbSNP rs764407321, ClinGen allele CA7545784.

ClinVar aggregate classification (germline): Uncertain significance (1 of 4 stars; one submission).

Allele frequency attached by ClinVar (database versions not stated): gnomAD 0.00001; ExAC 0.00002; TOPMed 0.00002.
gnomAD v4.1: 10 of 1,614,180 alleles (0.00062%); highest among the groups gnomAD compares: East Asian, 0.02%; no homozygotes.

Submission:

Labcorp Genetics (formerly Invitae), Labcorp
Classification: Uncertain significance. Last evaluated: 2022-08-09. Review status: criteria provided, single submitter. Criteria: Invitae Variant Classification Sherloc (09022015). Collection method: clinical testing. Allele origin: germline.
Comment: This sequence change replaces isoleucine, which is neutral and non-polar, with valine, which is neutral and non-polar, at codon 69 of the SLC24A5 protein (p.Ile69Val). This variant is present in population databases (rs764407321, gnomAD 0.04%). This variant has not been reported in the literature in individuals affected with SLC24A5-related conditions. Algorithms developed to predict the effect of missense changes on protein structure and function output the following: SIFT: "Tolerated"; PolyPhen-2: "Benign"; Align-GVGD: "Class C0". The valine amino acid residue is found in multiple mammalian species, which suggests that this missense change does not adversely affect protein function. In summary, the available evidence is currently insufficient to determine the role of this variant in disease. Therefore, it has been classified as a Variant of Uncertain Significance.